The following is an entry in ClinVar:

ClinVar aggregate classification (germline): Uncertain significance. Review status: criteria provided, multiple submitters, no conflicts (2 of 4 stars). 4 submissions from 4 submitters: Uncertain significance (4). Last evaluated 2025-10-25.

Conditions:
Inborn genetic diseases. Identifiers: MedGen C0950123, MeSH D030342.

Allele frequency attached by ClinVar (database versions not stated): gnomAD exomes 0.00003; gnomAD 0.00004 and 0.00003; 1000 Genomes Project 30x 0.00062; ExAC 0.00003; TOPMed 0.00007; 1000 Genomes Project 0.00060.

Submissions (4):

Ambry Genetics
Classification: Uncertain significance for Inborn genetic diseases. Last evaluated: 2025-10-25. Review status: criteria provided, single submitter. Criteria: Ambry Variant Classification Scheme 2023. Collection method: clinical testing. Allele origin: germline.

Labcorp Genetics (formerly Invitae), Labcorp
Classification: Uncertain significance. Last evaluated: 2025-06-01. Review status: criteria provided, single submitter. Criteria: Invitae Variant Classification Sherloc (09022015). Collection method: clinical testing. Allele origin: germline.
Comment: This sequence change replaces valine, which is neutral and non-polar, with leucine, which is neutral and non-polar, at codon 75 of the ZNF408 protein (p.Val75Leu). This variant is present in population databases (rs565293674, gnomAD 0.01%). This variant has not been reported in the literature in individuals affected with ZNF408-related conditions. ClinVar contains an entry for this variant (Variation ID: 965690). An algorithm developed to predict the effect of missense changes on protein structure and function (PolyPhen-2) suggests that this variant is likely to be tolerated. In summary, the available evidence is currently insufficient to determine the role of this variant in disease. Therefore, it has been classified as a Variant of Uncertain Significance.

Blueprint Genetics
Classification: Uncertain significance. Last evaluated: 2024-08-06. Review status: criteria provided, single submitter. Criteria: ACMG Guidelines, 2015. Collection method: clinical testing. Allele origin: germline.

AiLife Diagnostics
Classification: Uncertain significance. Last evaluated: 2021-04-28. Review status: criteria provided, single submitter. Criteria: ACMG Guidelines, 2015. Collection method: clinical testing. Allele origin: germline. Affected: yes. Observed: 1 variant allele.

NM_024741.3(ZNF408):c.223G>C (p.Val75Leu)

Gene: ZNF408 (zinc finger protein 408; plus strand). Cytogenetic location: 11p11.2.
Variant type: single nucleotide variant.
Coding change: c.223G>C on transcript NM_024741.3 (MANE Select); coding-DNA position 223, G replaced by C.
Protein change: p.Val75Leu; replaces valine 75 with leucine.
Molecular consequence: missense variant.
Genome position (GRCh38, 1-based): chr11:46,701,569, G>C. VCF-style: chr11-46701569-G-C. GRCh37 (hg19) VCF-style: chr11-46723119-G-C.
Other names: c.199G>C, p.Val67Leu (NM_001184751.2); short protein forms V75L, V67L.
Identifiers: ClinVar variation 965690 (VCV000965690.11), dbSNP rs565293674, ClinGen allele CA5966269.